The following is an entry in ClinVar:

ClinVar aggregate classification (germline): Uncertain significance (1 of 4 stars; one submission).

Submission:

ISCA site 4
Classification: Uncertain significance. Last evaluated: 2011-08-12. Review status: criteria provided, single submitter. Criteria: Kaminsky et al. (Genet Med. 2011). Collection method: clinical testing. Allele origin: de novo. Affected: yes. Observed: 1 variant allele.
Comment: Copy number variation identified through the course of routine clinical cytogenomic testing in postnatal populations. Clinical assertions have been curated as described in Kaminsky et al. 2011.

GRCh38/hg38 7p22.3(chr7:2109441-2412551)x1

Genes: CHST12 (carbohydrate sulfotransferase 12; plus strand), EIF3B (eukaryotic translation initiation factor 3 subunit B; plus strand), MAD1L1 (mitotic arrest deficient 1 like 1; minus strand), MIR6836 (microRNA 6836; minus strand), MRM2 (mitochondrial rRNA methyltransferase 2; minus strand) and 34 more. Cytogenetic location: 7p22.3.
Variant type: copy number loss.
Change: copy number 1 (one copy instead of two) of chr7:2,109,441-2,412,551 (303.1 kb, GRCh38 coordinates, 1-based), cytogenetic band 7p22.3.
Identifiers: ClinVar variation 57287 (VCV000057287.1).